The following is an entry in ClinVar:

NM_033402.5(LRRCC1):c.2584T>C (p.Ser862Pro)

Gene: LRRCC1 (leucine rich repeat and coiled-coil centrosomal protein 1; plus strand). Cytogenetic location: 8q21.2.
Variant type: single nucleotide variant.
Coding change: c.2584T>C on transcript NM_033402.5 (MANE Select); coding-DNA position 2584, T replaced by C.
Protein change: p.Ser862Pro; replaces serine 862 with proline.
Molecular consequence: missense variant.
Genome position (GRCh38, 1-based): chr8:85,138,125, T>C. VCF-style: chr8-85138125-T-C. GRCh37 (hg19) VCF-style: chr8-86050360-T-C.
Other names: c.2305T>C, p.Ser769Pro (NM_001349636.2); c.2158T>C, p.Ser720Pro (NM_001349637.2); c.1687T>C, p.Ser563Pro (NM_001349638.2); c.1447T>C, p.Ser483Pro (NM_001349639.2); short protein forms S769P, S483P, S862P, S563P, S720P.
Identifiers: ClinVar variation 4760520 (VCV004760520.1).

ClinVar aggregate classification (germline): Uncertain significance (1 of 4 stars; one submission).

Submission:

Labcorp Genetics (formerly Invitae), Labcorp
Classification: Uncertain significance. Last evaluated: 2025-11-30. Review status: criteria provided, single submitter. Criteria: Invitae Variant Classification Sherloc (09022015). Collection method: clinical testing. Allele origin: germline.
Comment: This sequence change replaces serine, which is neutral and polar, with proline, which is neutral and non-polar, at codon 862 of the LRRCC1 protein (p.Ser862Pro). This variant is not present in population databases (gnomAD no frequency). This variant has not been reported in the literature in individuals affected with LRRCC1-related conditions. An algorithm developed to predict the effect of missense changes on protein structure and function (PolyPhen-2) suggests that this variant is likely to be tolerated. In summary, the available evidence is currently insufficient to determine the role of this variant in disease. Therefore, it has been classified as a Variant of Uncertain Significance.